The following is an entry in ClinVar:

ClinVar aggregate classification (germline): Conflicting classifications of pathogenicity. Review status: criteria provided, conflicting classifications (1 of 4 stars). 2 submissions from 2 submitters: Likely pathogenic (1); Uncertain significance (1). Last evaluated 2023-10-01.

Conditions:
Retinal dystrophy. Also called: Inherited retinal dystrophy. Identifiers: Orphanet 71862, MedGen C0854723, MeSH D058499, MONDO:0019118, HP:0000556.

Allele frequency attached by ClinVar (database versions not stated): gnomAD exomes below 0.00001.
gnomAD v4.1: 1 of 1,614,116 alleles (0.000062%); highest among the groups gnomAD compares: East Asian, 0.0022%; no homozygotes.

Submissions (2):

Dept Of Ophthalmology, Nagoya University
Classification: Likely pathogenic for Retinal dystrophy. Last evaluated: 2023-10-01. Review status: criteria provided, single submitter. Criteria: Submitter's publication. Collection method: research. Allele origin: germline. Affected: yes.

Labcorp Genetics (formerly Invitae), Labcorp
Classification: Uncertain significance. Last evaluated: 2022-02-04. Review status: criteria provided, single submitter. Criteria: Invitae Variant Classification Sherloc (09022015). Collection method: clinical testing. Allele origin: germline.
Comment: In summary, the available evidence is currently insufficient to determine the role of this variant in disease. Therefore, it has been classified as a Variant of Uncertain Significance. Algorithms developed to predict the effect of missense changes on protein structure and function (SIFT, PolyPhen-2, Align-GVGD) all suggest that this variant is likely to be tolerated. This variant has not been reported in the literature in individuals affected with SPP2-related conditions. This variant is not present in population databases (gnomAD no frequency). This sequence change replaces arginine, which is basic and polar, with lysine, which is basic and polar, at codon 93 of the SPP2 protein (p.Arg93Lys).

NM_006944.3(SPP2):c.278G>A (p.Arg93Lys)

Gene: SPP2 (secreted phosphoprotein 2; plus strand). Cytogenetic location: 2q37.1.
Variant type: single nucleotide variant.
Coding change: c.278G>A on transcript NM_006944.3 (MANE Select); coding-DNA position 278, G replaced by A.
Protein change: p.Arg93Lys; replaces arginine 93 with lysine.
Molecular consequence: missense variant.
Genome position (GRCh38, 1-based): chr2:234,058,903, G>A. VCF-style: chr2-234058903-G-A. GRCh37 (hg19) VCF-style: chr2-234967547-G-A.
Other names: short protein forms R93K.
Identifiers: ClinVar variation 1422054 (VCV001422054.9), dbSNP rs2125455747, ClinGen allele CA351101909.
Genomic context (GRCh38, chr2:234,058,903, plus strand): 5'-TCCTAGATGAGAACAACTTGGTCATGAATTTAGAGTTCAGCATCCGGGAGACTACATGCA[G>A]GAAGGATTCTGGAGAAGATCCCGCTACATGTGCCTTCCAGAGGGACTACTATGTGGTAAG-3'
Protein context (NP_008875.1, residues 83-103): LEFSIRETTC[Arg93Lys]KDSGEDPATC